The following is an entry in ClinVar:

NM_002350.4(LYN):c.599C>G (p.Thr200Ser)

Gene: LYN (LYN proto-oncogene, Src family tyrosine kinase; plus strand). Cytogenetic location: 8q12.1.
Variant type: single nucleotide variant.
Coding change: c.599C>G on transcript NM_002350.4 (MANE Select); coding-DNA position 599, C replaced by G.
Protein change: p.Thr200Ser; replaces threonine 200 with serine.
Molecular consequence: missense variant.
Genome position (GRCh38, 1-based): chr8:55,952,077, C>G. VCF-style: chr8-55952077-C-G. GRCh37 (hg19) VCF-style: chr8-56864636-C-G.
Other names: c.536C>G, p.Thr179Ser (NM_001111097.3); short protein forms T179S, T200S.
Identifiers: ClinVar variation 2003945 (VCV002003945.4), dbSNP rs1261988146, ClinGen allele CA371281529.

ClinVar aggregate classification (germline): Uncertain significance (1 of 4 stars; one submission).

Submission:

Labcorp Genetics (formerly Invitae), Labcorp
Classification: Uncertain significance. Last evaluated: 2022-06-09. Review status: criteria provided, single submitter. Criteria: Invitae Variant Classification Sherloc (09022015). Collection method: clinical testing. Allele origin: germline.
Comment: In summary, the available evidence is currently insufficient to determine the role of this variant in disease. Therefore, it has been classified as a Variant of Uncertain Significance. Algorithms developed to predict the effect of missense changes on protein structure and function (SIFT, PolyPhen-2, Align-GVGD) all suggest that this variant is likely to be tolerated. This variant has not been reported in the literature in individuals affected with LYN-related conditions. This variant is not present in population databases (gnomAD no frequency). This sequence change replaces threonine, which is neutral and polar, with serine, which is neutral and polar, at codon 200 of the LYN protein (p.Thr200Ser).